The following is an entry in ClinVar:

NM_001375834.1(WIPF1):c.235G>A (p.Gly79Arg)

Genes: WIPF1 (WAS/WASL interacting protein family member 1; minus strand), WIPF1-AS1 (WIPF1 and CHRNA1 antisense RNA 1; plus strand). Cytogenetic location: 2q31.1.
Variant type: single nucleotide variant.
Coding change: c.235G>A on transcript NM_001375834.1 (MANE Select); coding-DNA position 235, G replaced by A.
Protein change: p.Gly79Arg; replaces glycine 79 with arginine.
Molecular consequence: missense variant. On other transcripts: intron variant (1).
Genome position (GRCh38, 1-based): chr2:174,575,327, C>T on the plus strand (G>A on the coding strand, the complement: WIPF1 is on the minus strand). VCF-style: chr2-174575327-C-T. GRCh37 (hg19) VCF-style: chr2-175440055-C-T.
Other names: c.235G>A, p.Gly79Arg (NM_001077269.1, NM_001375832.1, NM_001375833.1 and 5 more transcripts); c.182-3082G>A (NM_001375839.1); short protein forms G79R.
Identifiers: ClinVar variation 540143 (VCV000540143.7), dbSNP rs531744802, ClinGen allele CA1974191.

ClinVar aggregate classification (germline): Uncertain significance. Review status: criteria provided, multiple submitters, no conflicts (2 of 4 stars). 2 submissions from 2 submitters: Uncertain significance (2). Last evaluated 2023-04-12.

Conditions:
Inborn genetic diseases. Identifiers: MedGen C0950123, MeSH D030342.
Wiskott-Aldrich syndrome 2 (WAS2). Also called: WIPF1 DEFICIENCY. Identifiers: Orphanet 906, MedGen C3281001, MONDO:0013779, OMIM 614493.

Allele frequency attached by ClinVar (database versions not stated): TOPMed 0.00001; 1000 Genomes Project 0.00020; 1000 Genomes Project 30x 0.00016; gnomAD 0.00002 and 0.00005; ExAC 0.00007; gnomAD exomes 0.00010.
gnomAD v4.1: 133 of 1,613,882 alleles (0.0082%); highest among the groups gnomAD compares: South Asian, 0.059%; no homozygotes.

Submissions (2):

Ambry Genetics
Classification: Uncertain significance for Inborn genetic diseases. Last evaluated: 2023-04-12. Review status: criteria provided, single submitter. Criteria: Ambry Variant Classification Scheme 2023. Collection method: clinical testing. Allele origin: germline.

Labcorp Genetics (formerly Invitae), Labcorp
Classification: Uncertain significance for Wiskott-Aldrich syndrome 2. Last evaluated: 2022-04-12. Review status: criteria provided, single submitter. Criteria: Invitae Variant Classification Sherloc (09022015). Collection method: clinical testing. Allele origin: germline.
Comment: This sequence change replaces glycine, which is neutral and non-polar, with arginine, which is basic and polar, at codon 79 of the WIPF1 protein (p.Gly79Arg). This variant is present in population databases (rs531744802, gnomAD 0.07%). This variant has not been reported in the literature in individuals affected with WIPF1-related conditions. ClinVar contains an entry for this variant (Variation ID: 540143). Algorithms developed to predict the effect of missense changes on protein structure and function are either unavailable or do not agree on the potential impact of this missense change (SIFT: "Not Available"; PolyPhen-2: "Benign"; Align-GVGD: "Not Available"). In summary, the available evidence is currently insufficient to determine the role of this variant in disease. Therefore, it has been classified as a Variant of Uncertain Significance.